The following is an entry in ClinVar:

NM_152564.5(VPS13B):c.5617G>A (p.Glu1873Lys)

Gene: VPS13B (vacuolar protein sorting 13 homolog B; plus strand). Cytogenetic location: 8q22.2.
Variant type: single nucleotide variant.
Coding change: c.5617G>A on transcript NM_152564.5 (MANE Select); coding-DNA position 5617, G replaced by A.
Protein change: p.Glu1873Lys; replaces glutamic acid 1873 with lysine.
Molecular consequence: missense variant.
Genome position (GRCh38, 1-based): chr8:99,642,207, G>A. VCF-style: chr8-99642207-G-A. GRCh37 (hg19) VCF-style: chr8-100654435-G-A.
Other names: c.5692G>A (NM_017890.3); c.5692G>A, p.Glu1898Lys (NM_017890.5); c.5617G>A (NM_152564.4); short protein forms E1873K, E1898K.
Identifiers: ClinVar variation 855020 (VCV000855020.7), dbSNP rs774677234, ClinGen allele CA4823847.
Genomic context (GRCh38, chr8:99,642,207, plus strand): 5'-CCAGAAGTTGATTCAGATGTTGCTAAGCCCAACCAGGCATGTATTTCCACGGTGACAGCA[G>A]AAGATCTCTTAAGGAGCAGCATTTCTTTTCCTTCAGGGAAAAAAATAGGGGTCCTCTCTC-3'
Protein context (NP_689777.3, residues 1863-1883): NQACISTVTA[Glu1873Lys]DLLRSSISFP

ClinVar aggregate classification (germline): Uncertain significance. Review status: criteria provided, multiple submitters, no conflicts (2 of 4 stars). 5 submissions from 5 submitters: Uncertain significance (4). 1 of the submissions does not count toward it. Last evaluated 2025-11-06.

Conditions:
Inborn genetic diseases. Identifiers: MedGen C0950123, MeSH D030342.
Cohen syndrome (COH1). Also called: PEPPER SYNDROME; Cutis verticis gyrata, retinitis pigmentosa, and sensorineural deafness. Identifiers: Orphanet 193, MedGen C0265223, MONDO:0008999, OMIM 216550.
VPS13B-related disorder. Also called: VPS13B-related condition.

Allele frequency attached by ClinVar (database versions not stated): gnomAD exomes 0.00001 and 0.00004; TOPMed 0.00002; ExAC 0.00003.
gnomAD v4.1: 11 of 1,614,132 alleles (0.00068%); highest among the groups gnomAD compares: East Asian, 0.02%; no homozygotes.

Submissions (5):

PreventionGenetics, part of Exact Sciences
Classification: Uncertain significance for VPS13B-related condition. Last evaluated: 2025-11-06. Review status: criteria provided, single submitter. Criteria: ACMG Guidelines, 2015. Collection method: clinical testing. Allele origin: germline.
Comment: The VPS13B c.5617G>A variant is predicted to result in the amino acid substitution p.Glu1873Lys. To our knowledge, this variant has not been reported in the literature. This variant is reported in 0.049% of alleles in individuals of East Asian descent in gnomAD. At this time, the clinical significance of this variant is uncertain due to the absence of conclusive functional and genetic evidence.

Ambry Genetics
Classification: Uncertain significance for Inborn genetic diseases. Last evaluated: 2025-02-05. Review status: criteria provided, single submitter. Criteria: Ambry Variant Classification Scheme 2023. Collection method: clinical testing. Allele origin: germline.

New York Genome Center
Classification: Uncertain significance for Cohen syndrome. Last evaluated: 2022-09-19. Review status: criteria provided, single submitter. Criteria: NYGC Assertion Criteria 2020. Collection method: clinical testing. Allele origin: germline. Observed: 2 heterozygotes. Clinical features observed: Hyperlipidemia (HP:0003077), Diabetes mellitus (HP:0000819).

Labcorp Genetics (formerly Invitae), Labcorp
Classification: Uncertain significance for Cohen syndrome. Last evaluated: 2022-05-03. Review status: criteria provided, single submitter. Criteria: Invitae Variant Classification Sherloc (09022015). Collection method: clinical testing. Allele origin: germline.
Comment: This sequence change replaces glutamic acid, which is acidic and polar, with lysine, which is basic and polar, at codon 1898 of the VPS13B protein (p.Glu1898Lys). This variant is present in population databases (rs774677234, gnomAD 0.05%). This variant has not been reported in the literature in individuals affected with VPS13B-related conditions. ClinVar contains an entry for this variant (Variation ID: 855020). Algorithms developed to predict the effect of missense changes on protein structure and function are either unavailable or do not agree on the potential impact of this missense change (SIFT: "Not Available"; PolyPhen-2: "Possibly Damaging"; Align-GVGD: "Not Available"). In summary, the available evidence is currently insufficient to determine the role of this variant in disease. Therefore, it has been classified as a Variant of Uncertain Significance.

Natera, Inc.
Classification: Uncertain significance for Cohen syndrome. Last evaluated: 2020-03-17. Review status: no assertion criteria provided. Collection method: clinical testing. Allele origin: germline. Not counted in ClinVar's aggregate classification.